The following is an entry in ClinVar:

NM_001567.4(INPPL1):c.1952G>T (p.Ser651Ile)

Gene: INPPL1 (inositol polyphosphate phosphatase like 1; plus strand). Cytogenetic location: 11q13.4.
Variant type: single nucleotide variant.
Coding change: c.1952G>T on transcript NM_001567.4 (MANE Select); coding-DNA position 1952, G replaced by T.
Protein change: p.Ser651Ile; replaces serine 651 with isoleucine.
Molecular consequence: missense variant.
Genome position (GRCh38, 1-based): chr11:72,233,075, G>T. VCF-style: chr11-72233075-G-T. GRCh37 (hg19) VCF-style: chr11-71944119-G-T.
Other names: short protein forms S651I.
Identifiers: ClinVar variation 1993700 (VCV001993700.4), dbSNP rs777171110, ClinGen allele CA6170195.

ClinVar aggregate classification (germline): Uncertain significance (1 of 4 stars; one submission).

Allele frequency attached by ClinVar (database versions not stated): TOPMed below 0.00001; ExAC 0.00002.
gnomAD v4.1: 2 of 1,613,990 alleles (0.00012%); highest among the groups gnomAD compares: East Asian, 0.0045%; no homozygotes.

Submission:

Labcorp Genetics (formerly Invitae), Labcorp
Classification: Uncertain significance. Last evaluated: 2022-05-12. Review status: criteria provided, single submitter. Criteria: Invitae Variant Classification Sherloc (09022015). Collection method: clinical testing. Allele origin: germline.
Comment: In summary, the available evidence is currently insufficient to determine the role of this variant in disease. Therefore, it has been classified as a Variant of Uncertain Significance. Algorithms developed to predict the effect of missense changes on protein structure and function are either unavailable or do not agree on the potential impact of this missense change (SIFT: "Tolerated"; PolyPhen-2: "Possibly Damaging"; Align-GVGD: "Class C0"). This variant has not been reported in the literature in individuals affected with INPPL1-related conditions. This variant is present in population databases (rs777171110, gnomAD 0.01%). This sequence change replaces serine, which is neutral and polar, with isoleucine, which is neutral and non-polar, at codon 651 of the INPPL1 protein (p.Ser651Ile).